The following is an entry in ClinVar:

NM_198859.4(PRICKLE2):c.2406A>G (p.Arg802=)

Genes: PRICKLE2 (prickle planar cell polarity protein 2; minus strand), PRICKLE2-AS1 (PRICKLE2 antisense RNA 1; plus strand). Cytogenetic location: 3p14.1.
Variant type: single nucleotide variant.
Coding change: c.2406A>G on transcript NM_198859.4 (MANE Select); coding-DNA position 2406, A replaced by G.
Protein change: p.Arg802=; no amino-acid change (arginine 802 retained).
Molecular consequence: synonymous variant. On other transcripts: non-coding transcript variant (1).
Genome position (GRCh38, 1-based): chr3:64,099,180, T>C on the plus strand (A>G on the coding strand, the complement: PRICKLE2 is on the minus strand). VCF-style: chr3-64099180-T-C. GRCh37 (hg19) VCF-style: chr3-64084856-T-C.
Other names: c.2406A>G, p.Arg802= (NM_001370528.1).
Identifiers: ClinVar variation 2732366 (VCV002732366.3), dbSNP rs1428966843, ClinGen allele CA433928299.
Genomic context (GRCh38, chr3:64,099,180, plus strand): 5'-GGAAGATTTGGGGAGGCCGTAGGAGCTGTATTTGTGCAGCAGCTCATCGCTTGTGACGTA[T>C]CGCAGGCGCGCTGGCTGGGGGATGGGTTCTCCTAGGAAATAGCCCTCGTTGTCAGACTCT-3'
Protein context (NP_942559.1, residues 792-812): GEPIPQPARL[Arg802=]YVTSDELLHK

ClinVar aggregate classification (germline): Uncertain significance (1 of 4 stars; one submission).

Conditions:
Progressive myoclonic epilepsy type 5. Identifiers: Orphanet 402082, MedGen C5190799.

Allele frequency attached by ClinVar (database versions not stated): gnomAD exomes below 0.00001; gnomAD 0.00001.
gnomAD v4.1: 3 of 1,614,112 alleles (0.00019%); highest among the groups gnomAD compares: Admixed American, 0.005%; no homozygotes.

Submission:

Labcorp Genetics (formerly Invitae), Labcorp
Classification: Uncertain significance for Progressive myoclonic epilepsy type 5. Last evaluated: 2023-02-28. Review status: criteria provided, single submitter. Criteria: Invitae Variant Classification Sherloc (09022015). Collection method: clinical testing. Allele origin: germline.
Comment: In summary, the available evidence is currently insufficient to determine the role of this variant in disease. Therefore, it has been classified as a Variant of Uncertain Significance. Algorithms developed to predict the effect of sequence changes on RNA splicing suggest that this variant may create or strengthen a splice site. This variant has not been reported in the literature in individuals affected with PRICKLE2-related conditions. This variant is present in population databases (no rsID available, gnomAD 0.009%). This sequence change affects codon 802 of the PRICKLE2 mRNA. It is a 'silent' change, meaning that it does not change the encoded amino acid sequence of the PRICKLE2 protein.